The following is an entry in ClinVar:

ClinVar aggregate classification (germline): Pathogenic (1 of 4 stars; one submission).

Submission:

Labcorp Genetics (formerly Invitae), Labcorp
Classification: Pathogenic. Last evaluated: 2023-11-06. Review status: criteria provided, single submitter. Criteria: Invitae Variant Classification Sherloc (09022015). Collection method: clinical testing. Allele origin: germline.
Comment: This sequence change creates a premature translational stop signal (p.Gly235Glnfs*19) in the TRAF3IP1 gene. It is expected to result in an absent or disrupted protein product. Loss-of-function variants in TRAF3IP1 are known to be pathogenic (PMID: 21945076, 26487268, 29068549). This variant is not present in population databases (gnomAD no frequency). This variant has not been reported in the literature in individuals affected with TRAF3IP1-related conditions. ClinVar contains an entry for this variant (Variation ID: 855002). For these reasons, this variant has been classified as Pathogenic.

Literature cited by the submitters: PubMed 21945076; PubMed 26487268; PubMed 29068549.

NM_015650.4(TRAF3IP1):c.702_703del (p.Gly235fs)

Gene: TRAF3IP1 (TRAF3 interacting protein 1; plus strand). Cytogenetic location: 2q37.3.
Variant type: Microsatellite.
Coding change: c.702_703del on transcript NM_015650.4 (MANE Select); coding-DNA positions 702 to 703, 2 bases deleted (AG; older notation c.702_703delAG).
Protein change: p.Gly235fs; shifts the reading frame from glycine 235.
Molecular consequence: frameshift variant.
Genome position (GRCh38, 1-based): chr2:238,329,129-238,329,130, AG deleted; deleting any 2 consecutive bases within chr2:238,329,127-238,329,130 gives the same sequence; the c. name uses the placement nearest the transcript's 3' end. VCF-style (leftmost placement, unchanged base first): chr2-238329126-CAG-C. GRCh37 (hg19) VCF-style: chr2-239237767-CAG-C.
Other names: c.702_703del, p.Gly235fs (NM_001139490.1); short protein forms G235fs.
Identifiers: ClinVar variation 855002 (VCV000855002.7), dbSNP rs1697992162, ClinGen allele CA916082552.
Genomic context (GRCh38, chr2:238,329,126, plus strand): 5'-AGAAGGGGAGAGAGAGAGAGCCAAAGCCCGGGCCAGGCCAGACAACGAGCGACAGAAAGA[CAG>C]AGGCAACAGGGAGCGGGACAGAGACTCCGAGCGCAAGAAGGAGACAGAGAGAAAGAGTGA-3'